The following is an entry in ClinVar:

ClinVar aggregate classification (germline): Likely benign. Review status: criteria provided, multiple submitters, no conflicts (2 of 4 stars). 2 submissions from 2 submitters: Likely benign (2). Last evaluated 2025-11-17.

Conditions:
Leigh syndrome (NULS). Also called: Leigh Syndrome (mtDNA deletion); Leigh's syndrome; Leigh Disease; Subacute necrotizing encephalopathy; Necrotizing encephalopathy infantile subacute of Leigh; LEIGH SYNDROME, NUCLEAR. Identifiers: Orphanet 506, MedGen C2931891, MONDO:0009723, OMIM 256000.

Allele frequency attached by ClinVar (database versions not stated): gnomAD 0.00001; gnomAD exomes 0.00004 and 0.00009; TOPMed 0.00004; ExAC 0.00006.
gnomAD v4.1: 28 of 1,612,414 alleles (0.0017%); highest among the groups gnomAD compares: Admixed American, 0.047%; no homozygotes.

Submissions (2):

Labcorp Genetics (formerly Invitae), Labcorp
Classification: Likely benign for Leigh syndrome. Last evaluated: 2025-11-17. Review status: criteria provided, single submitter. Criteria: Invitae Variant Classification Sherloc (09022015). Collection method: clinical testing. Allele origin: germline.

GeneDx
Classification: Likely benign. Last evaluated: 2018-02-02. Review status: criteria provided, single submitter. Criteria: GeneDx Variant Classification (06012015). Collection method: clinical testing. Allele origin: germline. Affected: yes.
Comment: This variant is considered likely benign or benign based on one or more of the following criteria: it is a conservative change, it occurs at a poorly conserved position in the protein, it is predicted to be benign by multiple in silico algorithms, and/or has population frequency not consistent with disease.

NM_003172.4(SURF1):c.107-19G>A

Gene: SURF1 (SURF1 cytochrome c oxidase assembly factor; minus strand). Cytogenetic location: 9q34.2.
Variant type: single nucleotide variant.
Coding change: c.107-19G>A on transcript NM_003172.4 (MANE Select); 19 bases into the intron before coding-DNA position 107, G replaced by A.
Molecular consequence: intron variant.
Genome position (GRCh38, 1-based): chr9:133,354,976, C>T on the plus strand (G>A on the coding strand, the complement: SURF1 is on the minus strand). VCF-style: chr9-133354976-C-T. GRCh37 (hg19) VCF-style: chr9-136221831-C-T.
Other names: c.-221-19G>A (NM_001280787.1).
Identifiers: ClinVar variation 391666 (VCV000391666.8), dbSNP rs782610286, ClinGen allele CA16605411.